The following is an entry in ClinVar:

ClinVar aggregate classification (germline): Conflicting classifications of pathogenicity. Review status: criteria provided, conflicting classifications (1 of 4 stars). 5 submissions from 5 submitters: Uncertain significance (1); Benign (1); Likely benign (2). 1 of the submissions does not count toward it. Last evaluated 2025-12-15.

Conditions:
CHM-related disorder. Also called: CHM-related condition.
Choroideremia. Also called: Chorioretinal scalloped atrophy. Identifiers: Orphanet 180, MedGen C0008525, MONDO:0010557, OMIM 303100, HP:0001139.

Allele frequency attached by ClinVar (database versions not stated): gnomAD 0.00006 and 0.00007; TOPMed 0.00008; ESP Exome Variant Server 0.00009; gnomAD exomes 0.00009 and 0.00021; ExAC 0.00022; 1000 Genomes Project 30x 0.00042; 1000 Genomes Project 0.00053.
gnomAD v4.1: 113 of 1,207,790 alleles (0.0094%); highest among the groups gnomAD compares: South Asian, 0.081%; 1 homozygote.

Submissions (5):

Labcorp Genetics (formerly Invitae), Labcorp
Classification: Benign. Last evaluated: 2025-12-15. Review status: criteria provided, single submitter. Criteria: Invitae Variant Classification Sherloc (09022015). Collection method: clinical testing. Allele origin: germline.

PreventionGenetics, part of Exact Sciences
Classification: Likely benign for CHM-related condition. Last evaluated: 2025-10-07. Review status: criteria provided, single submitter. Criteria: ACMG Guidelines, 2015. Collection method: clinical testing. Allele origin: germline.
Comment: This variant is classified as likely benign based on ACMG/AMP sequence variant interpretation guidelines (Richards et al. 2015 PMID: 25741868, with internal and published modifications).

Blueprint Genetics
Classification: Likely benign. Last evaluated: 2024-10-08. Review status: criteria provided, single submitter. Criteria: ACMG Guidelines, 2015. Collection method: clinical testing. Allele origin: germline.

Eurofins Ntd Llc (ga)
Classification: Uncertain significance. Last evaluated: 2014-12-30. Review status: criteria provided, single submitter. Criteria: EGL Classification Definitions 2015. Collection method: clinical testing. Allele origin: germline. Observed: 1 variant allele, 1 heterozygote.

Natera, Inc.
Classification: Likely benign for Choroideremia. Last evaluated: 2020-06-03. Review status: no assertion criteria provided. Collection method: clinical testing. Allele origin: germline. Not counted in ClinVar's aggregate classification.

NM_000390.4(CHM):c.957A>G (p.Thr319=)

Gene: CHM (CHM Rab escort protein; minus strand). Cytogenetic location: Xq21.2.
Variant type: single nucleotide variant.
Coding change: c.957A>G on transcript NM_000390.4 (MANE Select); coding-DNA position 957, A replaced by G.
Protein change: p.Thr319=; no amino-acid change (threonine 319 retained).
Molecular consequence: synonymous variant.
Genome position (GRCh38, 1-based): chrX:85,956,362, T>C on the plus strand (A>G on the coding strand, the complement: CHM is on the minus strand). VCF-style: chrX-85956362-T-C. GRCh37 (hg19) VCF-style: chrX-85211367-T-C.
Other names: c.513A>G, p.Thr171= (NM_001320959.1, NM_001362517.1, NM_001362518.2 and 1 more transcripts); c.957A>G (NM_000390.3).
Identifiers: ClinVar variation 198724 (VCV000198724.19), dbSNP rs373242750, ClinGen allele CA247527.